The following is an entry in ClinVar:

NM_145239.3(PRRT2):c.145C>G (p.Gln49Glu)

Genes: MVP-DT (MVP divergent transcript; minus strand), PRRT2 (proline rich transmembrane protein 2; plus strand). Cytogenetic location: 16p11.2.
Variant type: single nucleotide variant.
Coding change: c.145C>G on transcript NM_145239.3 (MANE Select); coding-DNA position 145, C replaced by G.
Protein change: p.Gln49Glu; replaces glutamine 49 with glutamic acid.
Molecular consequence: missense variant.
Genome position (GRCh38, 1-based): chr16:29,813,199, C>G. VCF-style: chr16-29813199-C-G. GRCh37 (hg19) VCF-style: chr16-29824520-C-G.
Other names: c.145C>G, p.Gln49Glu (NM_001256442.2, NM_001256443.2); short protein forms Q49E.
Identifiers: ClinVar variation 2120659 (VCV002120659.5), dbSNP rs2543331489, ClinGen allele CA395477460.

ClinVar aggregate classification (germline): Uncertain significance. Review status: criteria provided, multiple submitters, no conflicts (2 of 4 stars). 2 submissions from 2 submitters: Uncertain significance (2). Last evaluated 2023-07-05.

Conditions:
Episodic kinesigenic dyskinesia (EKD). Also called: Paroxysmal kinesigenic dyskinesia. Identifiers: Orphanet 98809, MedGen C1868682, MONDO:0044202.

Submissions (2):

GeneDx
Classification: Uncertain significance. Last evaluated: 2023-07-05. Review status: criteria provided, single submitter. Criteria: GeneDx Variant Classification Process June 2021. Collection method: clinical testing. Allele origin: germline. Affected: yes.
Comment: Not observed at significant frequency in large population cohorts (gnomAD); In silico analysis supports that this missense variant has a deleterious effect on protein structure/function; Has not been previously published as pathogenic or benign to our knowledge

Labcorp Genetics (formerly Invitae), Labcorp
Classification: Uncertain significance for Episodic kinesigenic dyskinesia. Last evaluated: 2022-04-01. Review status: criteria provided, single submitter. Criteria: Invitae Variant Classification Sherloc (09022015). Collection method: clinical testing. Allele origin: germline.
Comment: This sequence change replaces glutamine, which is neutral and polar, with glutamic acid, which is acidic and polar, at codon 49 of the PRRT2 protein (p.Gln49Glu). In summary, the available evidence is currently insufficient to determine the role of this variant in disease. Therefore, it has been classified as a Variant of Uncertain Significance. Algorithms developed to predict the effect of missense changes on protein structure and function output the following: SIFT: "Deleterious"; PolyPhen-2: "Benign"; Align-GVGD: "Class C0". The glutamic acid amino acid residue is found in multiple mammalian species, which suggests that this missense change does not adversely affect protein function. This variant has not been reported in the literature in individuals affected with PRRT2-related conditions. This variant is not present in population databases (gnomAD no frequency).